The following is an entry in ClinVar:

ClinVar aggregate classification (germline): Likely benign. Review status: criteria provided, multiple submitters, no conflicts (2 of 4 stars). 2 submissions from 2 submitters: Likely benign (2). Last evaluated 2018-06-16.

Allele frequency attached by ClinVar (database versions not stated): 1000 Genomes Project 0.00768; 1000 Genomes Project 30x 0.00895; TOPMed 0.01125.
gnomAD v4.1: 6,623 of 522,654 alleles (1.3%); highest among the groups gnomAD compares: Non-Finnish European, 1.9%; 40 homozygotes.

Submissions (2):

GeneDx
Classification: Likely benign. Last evaluated: 2018-06-16. Review status: criteria provided, single submitter. Criteria: GeneDx Variant Classification (06012015). Collection method: clinical testing. Allele origin: germline. Affected: yes.
Comment: This variant is considered likely benign or benign based on one or more of the following criteria: it is a conservative change, it occurs at a poorly conserved position in the protein, it is predicted to be benign by multiple in silico algorithms, and/or has population frequency not consistent with disease.

Breakthrough Genomics
Classification: Likely benign. Review status: criteria provided, single submitter. Criteria: ACMG Guidelines, 2015. Collection method: not provided. Allele origin: germline. Inheritance: X-linked inheritance. Affected: yes.

NM_001367721.1(CASK):c.532+114C>A

Gene: CASK (calcium/calmodulin dependent serine protein kinase; minus strand). Cytogenetic location: Xp11.4.
Variant type: single nucleotide variant.
Coding change: c.532+114C>A on transcript NM_001367721.1 (MANE Select); 114 bases into the intron after coding-DNA position 532, C replaced by A.
Molecular consequence: intron variant.
Genome position (GRCh38, 1-based): chrX:41,671,314, G>T on the plus strand (C>A on the coding strand, the complement: CASK is on the minus strand). VCF-style: chrX-41671314-G-T. GRCh37 (hg19) VCF-style: chrX-41530567-G-T.
Other names: c.532+114C>A (NM_001126055.3, NM_001410745.1, NM_001126054.3 and 1 more transcripts).
Identifiers: ClinVar variation 676947 (VCV000676947.2), dbSNP rs149954887, ClinGen allele CA329245685.
Genomic context (GRCh38, chrX:41,671,314, plus strand): 5'-TTATGACTACAGAGTTATTAAATTAAAAACTATCTGATGATGCTTTTTGGGAGTTGGGGT[G>T]GGGTGGAATGAGGTATGAAACACTGAGGTTGGGCTAATATGTAGCTTGAAAGTTTTATAC-3'